The following is an entry in ClinVar:

NM_005566.4(LDHA):c.334C>T (p.Arg112Cys)

Gene: LDHA (lactate dehydrogenase A; plus strand). Cytogenetic location: 11p15.1.
Variant type: single nucleotide variant.
Coding change: c.334C>T on transcript NM_005566.4 (MANE Select); coding-DNA position 334, C replaced by T.
Protein change: p.Arg112Cys; replaces arginine 112 with cysteine.
Molecular consequence: missense variant. On other transcripts: non-coding transcript variant (1), intron variant (1).
Genome position (GRCh38, 1-based): chr11:18,400,926, C>T. VCF-style: chr11-18400926-C-T. GRCh37 (hg19) VCF-style: chr11-18422473-C-T.
Other names: c.421C>T, p.Arg141Cys (NM_001165414.2); c.334C>T, p.Arg112Cys (NM_001165415.2, NM_001165416.2); c.244+1378C>T (NM_001135239.2); short protein forms R112C, R141C.
Identifiers: ClinVar variation 2179773 (VCV002179773.4), dbSNP rs199521486, ClinGen allele CA5911267.

ClinVar aggregate classification (germline): Uncertain significance. Review status: criteria provided, multiple submitters, no conflicts (2 of 4 stars). 2 submissions from 2 submitters: Uncertain significance (2). Last evaluated 2024-05-09.

Conditions:
Glycogen storage disease due to lactate dehydrogenase M-subunit deficiency (GSD11). Also called: Glycogen storage disease XI; GSD XI; LACTATE DEHYDROGENASE A DEFICIENCY. Identifiers: Orphanet 284426, MedGen C2931743, MONDO:0013047, OMIM 612933.

Allele frequency attached by ClinVar (database versions not stated): TOPMed 0.00003; 1000 Genomes Project 30x 0.00016; 1000 Genomes Project 0.00020; ExAC 0.00002.
gnomAD v4.1: 51 of 1,612,784 alleles (0.0032%); highest among the groups gnomAD compares: South Asian, 0.0044%; no homozygotes.

Submissions (2):

Fulgent Genetics
Classification: Uncertain significance for Glycogen storage disease due to lactate dehydrogenase M-subunit deficiency. Last evaluated: 2024-05-09. Review status: criteria provided, single submitter. Criteria: ACMG Guidelines, 2015. Collection method: clinical testing. Allele origin: germline.

Labcorp Genetics (formerly Invitae), Labcorp
Classification: Uncertain significance for Glycogen storage disease due to lactate dehydrogenase M-subunit deficiency. Last evaluated: 2024-02-23. Review status: criteria provided, single submitter. Criteria: Invitae Variant Classification Sherloc (09022015). Collection method: clinical testing. Allele origin: germline.
Comment: This sequence change replaces arginine, which is basic and polar, with cysteine, which is neutral and slightly polar, at codon 112 of the LDHA protein (p.Arg112Cys). This variant is present in population databases (rs199521486, gnomAD 0.005%). This variant has not been reported in the literature in individuals affected with LDHA-related conditions. ClinVar contains an entry for this variant (Variation ID: 2179773). Advanced modeling of protein sequence and biophysical properties (such as structural, functional, and spatial information, amino acid conservation, physicochemical variation, residue mobility, and thermodynamic stability) performed at Invitae indicates that this missense variant is expected to disrupt LDHA protein function with a positive predictive value of 80%. In summary, the available evidence is currently insufficient to determine the role of this variant in disease. Therefore, it has been classified as a Variant of Uncertain Significance.